The following is an entry in ClinVar:

ClinVar aggregate classification (germline): Benign. Review status: criteria provided, multiple submitters, no conflicts (2 of 4 stars). 4 submissions from 4 submitters: Benign (4). Last evaluated 2021-07-14.

Conditions:
Long QT syndrome (LQTS). Identifiers: MedGen C0023976, MeSH D008133, MONDO:0002442. Disease mechanism: loss of function. Inheritance: Various modes of inheritance.
Timothy syndrome (TS). Also called: LONG QT SYNDROME WITH SYNDACTYLY. Identifiers: Orphanet 65283, MedGen C1832916, MeSH C536962, MONDO:0010979, OMIM 601005.

Allele frequency attached by ClinVar (database versions not stated): TOPMed 0.94419; gnomAD 0.94615 and 0.94873; ESP Exome Variant Server 0.94788; 1000 Genomes Project 30x 0.94863; 1000 Genomes Project 0.95128; gnomAD exomes 0.97315.
gnomAD v4.1: 1,069,099 of 1,102,694 alleles (97%); highest among the groups gnomAD compares: East Asian, 100%; 518,669 homozygotes.

Submissions (4):

Genome-Nilou Lab
Classification: Benign for Timothy syndrome. Last evaluated: 2021-07-14. Review status: criteria provided, single submitter. Criteria: ACMG Guidelines, 2015. Collection method: clinical testing. Allele origin: germline. Affected: no.

Labcorp Genetics (formerly Invitae), Labcorp
Classification: Benign for Long QT syndrome. Last evaluated: 2019-12-31. Review status: criteria provided, single submitter. Criteria: Invitae Variant Classification Sherloc (09022015). Collection method: clinical testing. Allele origin: germline.

GeneDx
Classification: Benign. Last evaluated: 2018-06-14. Review status: criteria provided, single submitter. Criteria: GeneDx Variant Classification (06012015). Collection method: clinical testing. Allele origin: germline. Affected: yes.
Comment: This variant is considered likely benign or benign based on one or more of the following criteria: it is a conservative change, it occurs at a poorly conserved position in the protein, it is predicted to be benign by multiple in silico algorithms, and/or has population frequency not consistent with disease.

Breakthrough Genomics
Classification: Benign. Review status: criteria provided, single submitter. Criteria: ACMG Guidelines, 2015. Collection method: not provided. Allele origin: germline. Inheritance: Autosomal dominant inheritance. Affected: yes.

NM_000719.7(CACNA1C):c.2853+265G>C

Gene: CACNA1C (calcium voltage-gated channel subunit alpha1 C; plus strand). Cytogenetic location: 12p13.33.
Variant type: single nucleotide variant.
Coding change: c.2853+265G>C on transcript NM_000719.7 (MANE Select); 265 bases into the intron after coding-DNA position 2853, G replaced by C.
Molecular consequence: intron variant.
Genome position (GRCh38, 1-based): chr12:2,597,554, G>C. VCF-style: chr12-2597554-G-C. GRCh37 (hg19) VCF-style: chr12-2706720-G-C.
Other names: c.2853+265G>C (NM_001167624.3, NM_001167623.2, NM_001167625.2 and 7 more transcripts); c.2853+58G>C (NM_001129840.2, NM_001129836.2, NM_001129841.2 and 5 more transcripts); c.2913+58G>C (NM_199460.4, NM_001129827.2, NM_001129832.2); c.2844+265G>C (NM_001129844.2).
Identifiers: ClinVar variation 671801 (VCV000671801.9), dbSNP rs215983, ClinGen allele CA13680694.
Genomic context (GRCh38, chr12:2,597,554, plus strand): 5'-AAGGTAATGCAACCTGGGCAATGCATCCTCTGTCGCTTTCTTTGTCTATCTCTGCTCTGT[G>C]TGGCTGGATCTTTTGTCTTTTCTGTTTCTTTCACTCTCTCTTTTCTTTACTCCCAAGCCT-3'